The following is an entry in ClinVar:

ClinVar aggregate classification (germline): Benign/Likely benign. Review status: criteria provided, multiple submitters, no conflicts (2 of 4 stars). 2 submissions from 2 submitters: Benign (1); Likely benign (1). Last evaluated 2025-01-21.

Conditions:
Hereditary cancer-predisposing syndrome. Also called: Tumor predisposition; Hereditary Cancer Syndrome; Neoplastic Syndromes, Hereditary; Hereditary neoplastic syndrome. Identifiers: Orphanet 140162, MedGen C0027672, MeSH D009386, MONDO:0015356.
Familial cancer of breast. Also called: BREAST CANCER, FAMILIAL; Hereditary breast cancer; hereditary breast carcinoma. Identifiers: Orphanet 227535, MedGen C0346153, MONDO:0016419, OMIM 114480. Disease mechanism: loss of function.

Submissions (2):

Myriad Genetics, Inc.
Classification: Benign for Familial cancer of breast. Last evaluated: 2025-01-21. Review status: criteria provided, single submitter. Criteria: Myriad Autosomal Dominant, Autosomal Recessive and X-Linked Classification Criteria (2023). Collection method: clinical testing. Allele origin: unknown.
Comment: This variant is considered benign. This variant is a silent/synonymous amino acid change and it is not expected to impact splicing.

Ambry Genetics
Classification: Likely benign for Hereditary cancer-predisposing syndrome. Last evaluated: 2018-03-22. Review status: criteria provided, single submitter. Criteria: Ambry Variant Classification Scheme 2023. Collection method: clinical testing. Allele origin: germline.

NM_024675.4(PALB2):c.3174A>C (p.Ser1058=)

Gene: PALB2 (partner and localizer of BRCA2; minus strand). Cytogenetic location: 16p12.2.
Variant type: single nucleotide variant.
Coding change: c.3174A>C on transcript NM_024675.4 (MANE Select); coding-DNA position 3174, A replaced by C.
Protein change: p.Ser1058=; no amino-acid change (serine 1058 retained).
Molecular consequence: synonymous variant.
Genome position (GRCh38, 1-based): chr16:23,614,031, T>G on the plus strand (A>C on the coding strand, the complement: PALB2 is on the minus strand). VCF-style: chr16-23614031-T-G. GRCh37 (hg19) VCF-style: chr16-23625352-T-G.
Identifiers: ClinVar variation 823076 (VCV000823076.5), dbSNP rs1597073268, ClinGen allele CA494177581.
Genomic context (GRCh38, chr16:23,614,031, plus strand): 5'-CACACAAAGTGGTCCCAGCCAGTCATTACTTACCATTTCAGAATAGGCTTTGTGACAGAC[T>G]GAAGCTTGGTAAGAATCATCAATGTGCATCTTTTTCAGGAGTTGACCAGTTTTTAAATTC-3'
Protein context (NP_078951.2, residues 1048-1068): KMHIDDSYQA[Ser1058=]VCHKAYSEMG